The following is an entry in ClinVar:

ClinVar aggregate classification (germline): Uncertain significance. Review status: criteria provided, multiple submitters, no conflicts (2 of 4 stars). 2 submissions from 2 submitters: Uncertain significance (2). Last evaluated 2022-10-03.

Conditions:
Hypokalemic periodic paralysis, type 1. Also called: HypoPP; Hypokalemic Periodic Paralysis Type 1 (AD). Identifiers: Orphanet 681, MedGen C3714580, MONDO:0042979, OMIM 170400.
Hyperkalemic periodic paralysis. Also called: Familial hyperkalemic periodic paralysis; Gamstorp disease. Identifiers: Orphanet 682, MedGen C0238357, MONDO:0008224, OMIM 170500, HP:0007215.
Paramyotonia congenita of Von Eulenburg. Also called: Eulenburg disease; Myotonia congenita intermittens; Von Eulenburg paramyotonia congenita; Paramyotonia Congenita; PARALYSIS PERIODICA PARAMYOTONICA. Identifiers: Orphanet 684, MedGen C0221055, MONDO:0008195, OMIM 168300. Disease mechanism: loss of function.
Hypokalemic periodic paralysis, type 2 (HOKPP2). Identifiers: Orphanet 681, MedGen C2750061, MONDO:0013234, OMIM 613345.
Potassium-aggravated myotonia. Also called: MYOTONIA CONGENITA, ACETAZOLAMIDE-RESPONSIVE; MYOTONIA CONGENITA, ATYPICAL; SODIUM CHANNEL MUSCLE DISEASE; Myotonia congenita, atypical, acetazolamide-responsive. Identifiers: Orphanet 612, Orphanet 99734, Orphanet 99735, Orphanet 99736, MedGen C2931826, MONDO:0018959, OMIM 608390.
Congenital myasthenic syndrome 16. Identifiers: Orphanet 590, MedGen C3280112, MONDO:0013620, OMIM 614198.

Allele frequency attached by ClinVar (database versions not stated): gnomAD exomes below 0.00001; gnomAD 0.00001; TOPMed below 0.00001.
gnomAD v4.1: 2 of 1,614,152 alleles (0.00012%); highest among the groups gnomAD compares: Non-Finnish European, 0.00017%; no homozygotes.

Submissions (2):

Labcorp Genetics (formerly Invitae), Labcorp
Classification: Uncertain significance for Hyperkalemic periodic paralysis. Last evaluated: 2022-10-03. Review status: criteria provided, single submitter. Criteria: Invitae Variant Classification Sherloc (09022015). Collection method: clinical testing. Allele origin: germline.
Comment: In summary, the available evidence is currently insufficient to determine the role of this variant in disease. Therefore, it has been classified as a Variant of Uncertain Significance. Algorithms developed to predict the effect of missense changes on protein structure and function (SIFT, PolyPhen-2, Align-GVGD) all suggest that this variant is likely to be disruptive. ClinVar contains an entry for this variant (Variation ID: 854406). This variant has not been reported in the literature in individuals affected with SCN4A-related conditions. This variant is not present in population databases (gnomAD no frequency). This sequence change replaces threonine, which is neutral and polar, with isoleucine, which is neutral and non-polar, at codon 1605 of the SCN4A protein (p.Thr1605Ile).

Fulgent Genetics
Classification: Uncertain significance for Paramyotonia congenita of Von Eulenburg; Hypokalemic periodic paralysis, type 1; Hyperkalemic periodic paralysis; Potassium-aggravated myotonia; Hypokalemic periodic paralysis, type 2; Congenital myasthenic syndrome 16. Last evaluated: 2021-10-30. Review status: criteria provided, single submitter. Criteria: ACMG Guidelines, 2015. Collection method: clinical testing. Allele origin: unknown.

NM_000334.4(SCN4A):c.4814C>T (p.Thr1605Ile)

Genes: GH-LCR (growth hormone locus control region; plus strand), SCN4A (sodium voltage-gated channel alpha subunit 4; minus strand). Cytogenetic location: 17q23.3.
Variant type: single nucleotide variant.
Coding change: c.4814C>T on transcript NM_000334.4 (MANE Select); coding-DNA position 4814, C replaced by T.
Protein change: p.Thr1605Ile; replaces threonine 1605 with isoleucine.
Molecular consequence: missense variant.
Genome position (GRCh38, 1-based): chr17:63,941,468, G>A on the plus strand (C>T on the coding strand, the complement: SCN4A is on the minus strand). VCF-style: chr17-63941468-G-A. GRCh37 (hg19) VCF-style: chr17-62018828-G-A.
Other names: short protein forms T1605I.
Identifiers: ClinVar variation 854406 (VCV000854406.11), dbSNP rs1480989482, ClinGen allele CA400614914.